The following is an entry in ClinVar:

NM_006767.4(LZTR1):c.2085_2086del (p.Met695fs)

Gene: LZTR1 (leucine zipper like post translational regulator 1; plus strand). Cytogenetic location: 22q11.21.
Variant type: Deletion.
Coding change: c.2085_2086del on transcript NM_006767.4 (MANE Select); coding-DNA positions 2085 to 2086, 2 bases deleted (GT; older notation c.2085_2086delGT).
Protein change: p.Met695fs; shifts the reading frame from methionine 695.
Molecular consequence: frameshift variant.
Genome position (GRCh38, 1-based): chr22:20,995,978-20,995,979, GT deleted; deleting any 2 consecutive bases within chr22:20,995,977-20,995,979 gives the same sequence; the c. name uses the placement nearest the transcript's 3' end. VCF-style (leftmost placement, unchanged base first): chr22-20995976-ATG-A. GRCh37 (hg19) VCF-style: chr22-21350265-ATG-A.
Other names: short protein forms M695fs.
Identifiers: ClinVar variation 4708227 (VCV004708227.1).

ClinVar aggregate classification (germline): Pathogenic (1 of 4 stars; one submission).

Submission:

Labcorp Genetics (formerly Invitae), Labcorp
Classification: Pathogenic. Last evaluated: 2025-03-03. Review status: criteria provided, single submitter. Criteria: Invitae Variant Classification Sherloc (09022015). Collection method: clinical testing. Allele origin: germline.
Comment: This sequence change creates a premature translational stop signal (p.Met695Ilefs*86) in the LZTR1 gene. It is expected to result in an absent or disrupted protein product. Loss-of-function variants in LZTR1 are known to be pathogenic (PMID: 24362817, 25335493, 25480913, 25795793, 29469822, 30368668, 30442762, 30442766, 30481304, 30859559). This variant is not present in population databases (gnomAD no frequency). This variant has not been reported in the literature in individuals affected with LZTR1-related conditions. For these reasons, this variant has been classified as Pathogenic.

Literature cited by the submitters: PubMed 24362817; PubMed 25335493; PubMed 25480913; PubMed 25795793; PubMed 29469822; PubMed 30368668; PubMed 30442762; PubMed 30442766; PubMed 30481304; PubMed 30859559.